The following is an entry in ClinVar:

NM_001009944.3(PKD1):c.7252G>T (p.Asp2418Tyr)

Gene: PKD1 (polycystin 1, transient receptor potential channel interacting; minus strand). Cytogenetic location: 16p13.3.
Variant type: single nucleotide variant.
Coding change: c.7252G>T on transcript NM_001009944.3 (MANE Select); coding-DNA position 7252, G replaced by T.
Protein change: p.Asp2418Tyr; replaces aspartic acid 2418 with tyrosine.
Molecular consequence: missense variant.
Genome position (GRCh38, 1-based): chr16:2,106,635, C>A on the plus strand (G>T on the coding strand, the complement: PKD1 is on the minus strand). VCF-style: chr16-2106635-C-A. GRCh37 (hg19) VCF-style: chr16-2156636-C-A.
Other names: c.7252G>T, p.Asp2418Tyr (NM_000296.4); short protein forms D2418Y.
Identifiers: ClinVar variation 5021109 (VCV005021109.1).

ClinVar aggregate classification (germline): Likely pathogenic (1 of 4 stars; one submission).

Conditions:
Polycystic kidney disease, adult type (PKD1). Also called: Polycystic Kidney, Autosomal Dominant; Polycystic Kidney Disease 1, Autosomal Dominant; Polycystic kidney disease 1; Polycystic kidney disease 1, severe; POLYCYSTIC KIDNEY DISEASE 1 WITH OR WITHOUT POLYCYSTIC LIVER DISEASE; POLYCYSTIC KIDNEY DISEASE, ADULT, TYPE I. Identifiers: MedGen C3149841, MONDO:0008263, OMIM 173900.

Submission:

Clinical Genetics Laboratory, Skane University Hospital Lund
Classification: Likely pathogenic for Polycystic kidney disease, adult type. Last evaluated: 2026-08-07. Review status: criteria provided, single submitter. Criteria: ACMG Guidelines, 2015. Collection method: clinical testing. Allele origin: germline. Affected: yes.
Comment: ACMG criteria used: PM2, PP1, PP3, PP4_Strong